The following is an entry in ClinVar:

ClinVar aggregate classification (germline): Uncertain significance (1 of 4 stars; one submission).

Submission:

CeGaT Center for Human Genetics Tuebingen
Classification: Uncertain significance. Last evaluated: 2026-06-01. Review status: criteria provided, single submitter. Criteria: CeGaT Center For Human Genetics Tuebingen Variant Classification Criteria Version 2. Collection method: clinical testing. Allele origin: germline. Affected: yes. Observed: 1 variant allele.
Comment: PIEZO2: PM2

NM_001378183.1(PIEZO2):c.6341A>G (p.Tyr2114Cys)

Gene: PIEZO2 (piezo type mechanosensitive ion channel component 2; minus strand). Cytogenetic location: 18p11.22.
Variant type: single nucleotide variant.
Coding change: c.6341A>G on transcript NM_001378183.1 (MANE Select); coding-DNA position 6341, A replaced by G.
Protein change: p.Tyr2114Cys; replaces tyrosine 2114 with cysteine.
Molecular consequence: missense variant.
Genome position (GRCh38, 1-based): chr18:10,702,089, T>C on the plus strand (A>G on the coding strand, the complement: PIEZO2 is on the minus strand). VCF-style: chr18-10702089-T-C. GRCh37 (hg19) VCF-style: chr18-10702087-T-C.
Other names: c.6077A>G, p.Tyr2026Cys (NM_001410871.1); c.6002A>G, p.Tyr2001Cys (NM_022068.4); short protein forms Y2001C, Y2026C, Y2114C.
Identifiers: ClinVar variation 4875189 (VCV004875189.2).
Genomic context (GRCh38, chr18:10,702,089, plus strand): 5'-ATGAGGTCATAGAGAACATAACCTTCCTTCTTTTCCACTCCTATGATGTTTGGGGGGTGA[T>C]ACGGTTTATCTTTGTTCACCTCCACATTCTTATTCCAGGGAAAGAACCCAAATTGGAAGA-3'
Protein context (NP_001365112.1, residues 2104-2124): KNVEVNKDKP[Tyr2114Cys]HPPNIIGVEK